The following is an entry in ClinVar:

ClinVar aggregate classification (germline): Likely benign (0 of 4 stars; one submission).

Conditions:
SRP72-related disorder. Also called: SRP72-related condition.

Submission:

PreventionGenetics, part of Exact Sciences
Classification: Likely benign for SRP72-related condition. Last evaluated: 2022-04-01. Review status: no assertion criteria provided. Collection method: clinical testing. Allele origin: germline.
Comment: This variant is classified as likely benign based on ACMG/AMP sequence variant interpretation guidelines (Richards et al. 2015 PMID: 25741868, with internal and published modifications).

NM_006947.4(SRP72):c.1272T>C (p.Ser424=)

Gene: SRP72 (signal recognition particle 72; plus strand). Cytogenetic location: 4q12.
Variant type: single nucleotide variant.
Coding change: c.1272T>C on transcript NM_006947.4 (MANE Select); coding-DNA position 1272, T replaced by C.
Protein change: p.Ser424=; no amino-acid change (serine 424 retained).
Molecular consequence: synonymous variant. On other transcripts: non-coding transcript variant (1).
Genome position (GRCh38, 1-based): chr4:56,489,435, T>C. VCF-style: chr4-56489435-T-C. GRCh37 (hg19) VCF-style: chr4-57355601-T-C.
Other names: c.1089T>C, p.Ser363= (NM_001267722.2).
Identifiers: ClinVar variation 3048608 (VCV003048608.2), dbSNP rs1332186896, ClinGen allele CA439504641.